The following is an entry in ClinVar:

NM_021930.6(RINT1):c.1622A>G (p.Asn541Ser)

Gene: RINT1 (RAD50 interactor 1; plus strand). Cytogenetic location: 7q22.3.
Variant type: single nucleotide variant.
Coding change: c.1622A>G on transcript NM_021930.6 (MANE Select); coding-DNA position 1622, A replaced by G.
Protein change: p.Asn541Ser; replaces asparagine 541 with serine.
Molecular consequence: missense variant.
Genome position (GRCh38, 1-based): chr7:105,555,178, A>G. VCF-style: chr7-105555178-A-G. GRCh37 (hg19) VCF-style: chr7-105195625-A-G.
Other names: c.1388A>G, p.Asn463Ser (NM_001346599.2); c.599A>G, p.Asn200Ser (NM_001346600.2, NM_001346603.2); c.698A>G, p.Asn233Ser (NM_001346601.2); short protein forms N541S, N200S, N233S, N463S.
Identifiers: ClinVar variation 4154607 (VCV004154607.1).

ClinVar aggregate classification (germline): Uncertain significance (1 of 4 stars; one submission).

Submission:

Ambry Genetics
Classification: Uncertain significance. Last evaluated: 2025-07-18. Review status: criteria provided, single submitter. Criteria: Ambry Variant Classification Scheme 2023. Collection method: clinical testing. Allele origin: germline.
Comment: The p.N541S variant (also known as c.1622A>G), located in coding exon 11 of the RINT1 gene, results from an A to G substitution at nucleotide position 1622. The asparagine at codon 541 is replaced by serine, an amino acid with highly similar properties. This amino acid position is conserved. In addition, this alteration is predicted to be tolerated by in silico analysis. Based on the available evidence, the clinical significance of this variant remains unclear.